The following is an entry in ClinVar:

NM_002693.3(POLG):c.536G>T (p.Gly179Val)

Genes: POLG (DNA polymerase gamma, catalytic subunit; minus strand), POLGARF (POLG alternative reading frame; minus strand). Cytogenetic location: 15q26.1.
Variant type: single nucleotide variant.
Coding change: c.536G>T on transcript NM_002693.3 (MANE Select); coding-DNA position 536, G replaced by T.
Protein change: p.Gly179Val; replaces glycine 179 with valine.
Molecular consequence: missense variant.
Genome position (GRCh38, 1-based): chr15:89,333,219, C>A on the plus strand (G>T on the coding strand, the complement: POLG is on the minus strand). VCF-style: chr15-89333219-C-A. GRCh37 (hg19) VCF-style: chr15-89876450-C-A.
Other names: c.536G>T, p.Gly179Val (NM_001126131.2); short protein forms G179V.
Identifiers: ClinVar variation 1719654 (VCV001719654.6), dbSNP rs2509275014, ClinGen allele CA393770972.

ClinVar aggregate classification (germline): Uncertain significance (1 of 4 stars; one submission).

Conditions:
Progressive sclerosing poliodystrophy (MTDPS4A). Also called: NEURONAL DEGENERATION OF CHILDHOOD WITH LIVER DISEASE, PROGRESSIVE; Alpers Syndrome; ALPERS DIFFUSE DEGENERATION OF CEREBRAL GRAY MATTER WITH HEPATIC CIRRHOSIS; Alpers-Huttenlocher Syndrome; Mitochondrial DNA Depletion Syndrome 4A; Alpers-Huttenlocher Syndrome (AHS). Identifiers: Orphanet 726, MedGen C0205710, MONDO:0008758, OMIM 203700.

Submission:

Labcorp Genetics (formerly Invitae), Labcorp
Classification: Uncertain significance for Progressive sclerosing poliodystrophy. Last evaluated: 2023-03-24. Review status: criteria provided, single submitter. Criteria: Invitae Variant Classification Sherloc (09022015). Collection method: clinical testing. Allele origin: germline.
Comment: This variant is not present in population databases (gnomAD no frequency). This variant has not been reported in the literature in individuals affected with POLG-related conditions. ClinVar contains an entry for this variant (Variation ID: 1719654). Advanced modeling of protein sequence and biophysical properties (such as structural, functional, and spatial information, amino acid conservation, physicochemical variation, residue mobility, and thermodynamic stability) has been performed at Invitae for this missense variant, however the output from this modeling did not meet the statistical confidence thresholds required to predict the impact of this variant on POLG protein function. In summary, the available evidence is currently insufficient to determine the role of this variant in disease. Therefore, it has been classified as a Variant of Uncertain Significance. This sequence change replaces glycine, which is neutral and non-polar, with valine, which is neutral and non-polar, at codon 179 of the POLG protein (p.Gly179Val).